The following is an entry in ClinVar:

ClinVar aggregate classification (germline): Uncertain significance (1 of 4 stars; one submission).

Conditions:
Hereditary cancer-predisposing syndrome. Also called: Tumor predisposition; Neoplastic Syndromes, Hereditary; Hereditary Cancer Syndrome; Hereditary neoplastic syndrome. Identifiers: Orphanet 140162, MedGen C0027672, MeSH D009386, MONDO:0015356.

Submission:

Ambry Genetics
Classification: Uncertain significance for Hereditary cancer-predisposing syndrome. Last evaluated: 2024-10-11. Review status: criteria provided, single submitter. Criteria: Ambry Variant Classification Scheme 2023. Collection method: clinical testing. Allele origin: germline.
Comment: The c.706_708dupCTG variant (also known as p.L236dup), located in coding exon 5 of the CHEK2 gene, results from an in-frame duplication of CTG at nucleotide positions 706 to 708. This results in the duplication of an extra leucine residue between codons 236 and 237. This amino acid position is well conserved in available vertebrate species. In addition, this alteration is predicted to be deleterious by in silico analysis (Choi Y et al. PLoS ONE. 2012; 7(10):e46688). Based on the available evidence, the clinical significance of this variant remains unclear.

NM_007194.4(CHEK2):c.706_708dup (p.Leu236_Ala237insLeu)

Gene: CHEK2 (checkpoint kinase 2; minus strand). Cytogenetic location: 22q12.1.
Variant type: Duplication.
Coding change: c.706_708dup on transcript NM_007194.4 (MANE Select); coding-DNA positions 706 to 708, 3 bases duplicated (CTG; older notation c.706_708dupCTG).
Protein change: p.Leu236_Ala237insLeu.
Molecular consequence: inframe insertion. On other transcripts: inframe indel (4).
Genome position (GRCh38, 1-based): chr22:28,711,993-28,711,995, CAG duplicated on the plus strand (CTG on the coding strand, the reverse complement: CHEK2 is on the minus strand); duplicating any 3 consecutive bases within chr22:28,711,993-28,711,996 gives the same sequence; the c. name uses the placement nearest the transcript's 3' end. VCF-style (leftmost placement, unchanged base first): chr22-28711992-C-CCAG. GRCh37 (hg19) VCF-style: chr22-29107980-C-CCAG.
Other names: c.834_836dup, p.Leu279_Ala280insLeu (NM_001005735.3); c.42_44dup, p.Leu15_Ala16insLeu (NM_001257387.3); c.504_506dup, p.Leu169_Ala170insLeu (NM_001349956.3); c.705_707dup, p.Leu236_Ala237insLeu (NM_145862.3).
Identifiers: ClinVar variation 3492192 (VCV003492192.1).